The following is an entry in ClinVar:

NM_000324.3(RHAG):c.958A>T (p.Thr320Ser)

Gene: RHAG (Rh associated glycoprotein; minus strand). Cytogenetic location: 6p12.3.
Variant type: single nucleotide variant.
Coding change: c.958A>T on transcript NM_000324.3 (MANE Select); coding-DNA position 958, A replaced by T.
Protein change: p.Thr320Ser; replaces threonine 320 with serine.
Molecular consequence: missense variant.
Genome position (GRCh38, 1-based): chr6:49,611,133, T>A on the plus strand (A>T on the coding strand, the complement: RHAG is on the minus strand). VCF-style: chr6-49611133-T-A. GRCh37 (hg19) VCF-style: chr6-49578846-T-A.
Other names: p.Thr320Ser; short protein forms T320S.
Identifiers: ClinVar variation 2435431 (VCV002435431.4), dbSNP rs1219021183, ClinGen allele CA364397678.

ClinVar aggregate classification (germline): Uncertain significance. Review status: criteria provided, multiple submitters, no conflicts (2 of 4 stars). 2 submissions from 2 submitters: Uncertain significance (2). Last evaluated 2022-12-21.

Allele frequency attached by ClinVar (database versions not stated): TOPMed below 0.00001.

Submissions (2):

Revvity Omics, Revvity
Classification: Uncertain significance. Last evaluated: 2022-12-21. Review status: criteria provided, single submitter. Criteria: ACMG Guidelines, 2015. Collection method: clinical testing. Allele origin: germline.

Mayo Clinic Laboratories, Mayo Clinic
Classification: Uncertain significance. Last evaluated: 2022-11-30. Review status: criteria provided, single submitter. Criteria: ACMG Guidelines, 2015. Collection method: clinical testing. Allele origin: germline. Observed: 1 variant allele.
Comment: BP4_strong, PM2